The following is an entry in ClinVar:

ClinVar aggregate classification (germline): Uncertain significance (1 of 4 stars; one submission).

Conditions:
Cardiovascular phenotype. Identifiers: MedGen CN230736.

Submission:

Ambry Genetics
Classification: Uncertain significance for Cardiovascular phenotype. Last evaluated: 2024-04-19. Review status: criteria provided, single submitter. Criteria: Ambry Variant Classification Scheme 2023. Collection method: clinical testing. Allele origin: germline.
Comment: The p.C679R variant (also known as c.2035T>C), located in coding exon 7 of the HCN4 gene, results from a T to C substitution at nucleotide position 2035. The cysteine at codon 679 is replaced by arginine, an amino acid with highly dissimilar properties. This amino acid position is conserved. In addition, this alteration is predicted to be deleterious by in silico analysis. Based on the available evidence, the clinical significance of this variant remains unclear.

NM_005477.3(HCN4):c.2035T>C (p.Cys679Arg)

Gene: HCN4 (hyperpolarization activated cyclic nucleotide gated potassium channel 4; minus strand). Cytogenetic location: 15q24.1.
Variant type: single nucleotide variant.
Coding change: c.2035T>C on transcript NM_005477.3 (MANE Select); coding-DNA position 2035, T replaced by C.
Protein change: p.Cys679Arg; replaces cysteine 679 with arginine.
Molecular consequence: missense variant.
Genome position (GRCh38, 1-based): chr15:73,324,197, A>G on the plus strand (T>C on the coding strand, the complement: HCN4 is on the minus strand). VCF-style: chr15-73324197-A-G. GRCh37 (hg19) VCF-style: chr15-73616538-A-G.
Other names: short protein forms C679R.
Identifiers: ClinVar variation 3283655 (VCV003283655.1).
Genomic context (GRCh38, chr15:73,324,197, plus strand): 5'-TCATGGGGTACTCCTCCAGCACCTCATTGAAGTTGTCCACGCTCAGCGAGTAGAGGCGGC[A>G]GTAGGTGTCGGCCCTCACGCTGGCTGTGCGCCGGCCCCGGGTCAGCAGGCAGATCTCTGC-3'
Protein context (NP_005468.1, residues 669-689): RTASVRADTY[Cys679Arg]RLYSLSVDNF